The following is an entry in ClinVar:

NM_001999.4(FBN2):c.6869A>G (p.Lys2290Arg)

Gene: FBN2 (fibrillin 2; minus strand). Cytogenetic location: 5q23.3.
Variant type: single nucleotide variant.
Coding change: c.6869A>G on transcript NM_001999.4 (MANE Select); coding-DNA position 6869, A replaced by G.
Protein change: p.Lys2290Arg; replaces lysine 2290 with arginine.
Molecular consequence: missense variant.
Genome position (GRCh38, 1-based): chr5:128,287,319, T>C on the plus strand (A>G on the coding strand, the complement: FBN2 is on the minus strand). VCF-style: chr5-128287319-T-C. GRCh37 (hg19) VCF-style: chr5-127623011-T-C.
Other names: short protein forms K2290R.
Identifiers: ClinVar variation 1306036 (VCV001306036.3), dbSNP rs2126817399, ClinGen allele CA360759443.
Genomic context (GRCh38, chr5:128,287,319, plus strand): 5'-TCCAGCATGACAAATAAAGTTCGAACTACTCCCGAGTCTGAGGCCTTACCTTTGCACATC[T>C]TTTGATCTTCCCTGAGGGCATAGCCAATCGGGCACGTGCATTCATAGGACCCAAAAGTGT-3'
Protein context (NP_001990.2, residues 2280-2300): PIGYALREDQ[Lys2290Arg]MCKDLDECAE

ClinVar aggregate classification (germline): Uncertain significance (1 of 4 stars; one submission).

Submission:

GeneDx
Classification: Uncertain significance. Last evaluated: 2023-03-17. Review status: criteria provided, single submitter. Criteria: GeneDx Variant Classification Process June 2021. Collection method: clinical testing. Allele origin: germline. Affected: yes.
Comment: Has not been previously published as pathogenic or benign to our knowledge; Not observed at significant frequency in large population cohorts (gnomAD); In silico analysis supports that this missense variant does not alter protein structure/function; Although located in a calcium-binding EGF-like domain of the FBN2 gene, it does not substitute or introduce a cysteine residue (Callewaert et al., 2009; Frederic et al., 2009); This variant is associated with the following publications: (PMID: 19006240, 18767143)